The following is an entry in ClinVar:

ClinVar aggregate classification (germline): Benign/Likely benign. Review status: criteria provided, multiple submitters, no conflicts (2 of 4 stars). 11 submissions from 11 submitters: Benign (6); Likely benign (2). 3 of the submissions do not count toward it. Last evaluated 2026-01-27.

Conditions:
Cardiovascular phenotype. Identifiers: MedGen CN230736.
Long QT syndrome (LQTS). Identifiers: MedGen C0023976, MeSH D008133, MONDO:0002442. Disease mechanism: loss of function. Inheritance: Various modes of inheritance.
Long QT syndrome 11 (LQT11). Identifiers: Orphanet 101016, Orphanet 768, MedGen C2678483, MONDO:0012738, OMIM 611820.

Allele frequency attached by ClinVar (database versions not stated): 1000 Genomes Project 30x 0.00125; 1000 Genomes Project 0.00160; ExAC 0.00280; TOPMed 0.00293; gnomAD 0.00295 and 0.00298; gnomAD exomes 0.00300; ESP Exome Variant Server 0.00377.
gnomAD v4.1: 7,688 of 1,614,020 alleles (0.48%); highest among the groups gnomAD compares: Non-Finnish European, 0.57%; 29 homozygotes.

Submissions (11):

Labcorp Genetics (formerly Invitae), Labcorp
Classification: Benign for Long QT syndrome. Last evaluated: 2026-01-27. Review status: criteria provided, single submitter. Criteria: Invitae Variant Classification Sherloc (09022015). Collection method: clinical testing. Allele origin: germline.

CeGaT Center for Human Genetics Tuebingen
Classification: Likely benign. Last evaluated: 2025-04-01. Review status: criteria provided, single submitter. Criteria: CeGaT Center For Human Genetics Tuebingen Variant Classification Criteria Version 2. Collection method: clinical testing. Allele origin: germline. Affected: yes. Observed: 7 variant alleles.
Comment: AKAP9: BP4, BP7, BS2

Blueprint Genetics
Classification: Likely benign. Last evaluated: 2024-11-21. Review status: criteria provided, single submitter. Criteria: ACMG Guidelines, 2015. Collection method: clinical testing. Allele origin: germline.

Genome-Nilou Lab
Classification: Benign for Long QT syndrome 11. Last evaluated: 2021-12-05. Review status: criteria provided, single submitter. Criteria: ACMG Guidelines, 2015. Collection method: clinical testing. Allele origin: germline. Affected: no.

Women's Health and Genetics/Laboratory Corporation of America, LabCorp
Classification: Benign. Last evaluated: 2020-01-06. Review status: criteria provided, single submitter. Criteria: LabCorp Variant Classification Summary - May 2015. Collection method: clinical testing. Allele origin: germline.

Ambry Genetics
Classification: Benign for Cardiovascular phenotype. Last evaluated: 2015-09-15. Review status: criteria provided, single submitter. Criteria: Ambry Variant Classification Scheme 2023. Collection method: clinical testing. Allele origin: germline.

GeneDx
Classification: Benign. Last evaluated: 2011-07-11. Review status: criteria provided, single submitter. Criteria: GeneDx Variant Classification (06012015). Collection method: clinical testing. Allele origin: germline. Affected: yes.
Comment: This variant is considered likely benign or benign based on one or more of the following criteria: it is a conservative change, it occurs at a poorly conserved position in the protein, it is predicted to be benign by multiple in silico algorithms, and/or has population frequency not consistent with disease.

Breakthrough Genomics
Classification: Benign. Review status: criteria provided, single submitter. Criteria: ACMG Guidelines, 2015. Collection method: not provided. Allele origin: germline. Inheritance: Autosomal dominant inheritance. Affected: yes.

Clinical Genetics, Academic Medical Center
Classification: Benign. Review status: no assertion criteria provided. Collection method: clinical testing. Allele origin: germline. Affected: yes. Study: VKGL Data-share Consensus. Not counted in ClinVar's aggregate classification.

Genome Diagnostics Laboratory, University Medical Center Utrecht
Classification: Benign. Review status: no assertion criteria provided. Collection method: clinical testing. Allele origin: germline. Affected: yes. Study: VKGL Data-share Consensus. Not counted in ClinVar's aggregate classification.

Joint Genome Diagnostic Labs from Nijmegen and Maastricht, Radboudumc and MUMC+
Classification: Benign. Review status: no assertion criteria provided. Collection method: clinical testing. Allele origin: germline. Affected: yes. Study: VKGL Data-share Consensus. Not counted in ClinVar's aggregate classification.

NM_005751.5(AKAP9):c.7275G>A (p.Gln2425=)

Gene: AKAP9 (A-kinase anchoring protein 9; plus strand). Cytogenetic location: 7q21.2.
Variant type: single nucleotide variant.
Coding change: c.7275G>A on transcript NM_005751.5 (MANE Select); coding-DNA position 7275, G replaced by A.
Protein change: p.Gln2425=; no amino-acid change (glutamine 2425 retained).
Molecular consequence: synonymous variant.
Genome position (GRCh38, 1-based): chr7:92,079,408, G>A. VCF-style: chr7-92079408-G-A. GRCh37 (hg19) VCF-style: chr7-91708722-G-A.
Other names: p.Q2425Q:CAG>CAA; c.1920G>A, p.Gln640= (NM_001379277.1); c.7251G>A, p.Gln2417= (NM_147185.3).
Identifiers: ClinVar variation 136337 (VCV000136337.55), dbSNP rs61757672, ClinGen allele CA289358.
Genomic context (GRCh38, chr7:92,079,408, plus strand): 5'-TAATGAAGAAATGACCTTCATGAAAAATGTACTTAAAGAAACCAATTTTAAAATGAATCA[G>A]CTAACACAGGAATTATTCAGCTTAAAGAGAGAACGTGAAAGTGTGGAAAAGATTCAAAGC-3'
Protein context (NP_005742.4, residues 2415-2435): VLKETNFKMN[Gln2425=]LTQELFSLKR